The following is an entry in ClinVar:

ClinVar aggregate classification (germline): Conflicting classifications of pathogenicity. Review status: criteria provided, conflicting classifications (1 of 4 stars). 2 submissions from 2 submitters: Uncertain significance (1); Likely benign (1). Last evaluated 2026-08-19.

Conditions:
GSN-related disorder. Also called: GSN-related condition.

gnomAD v4.1: 45 of 1,613,642 alleles (0.0028%); highest among the groups gnomAD compares: East Asian, 0.0022%; no homozygotes.

Submissions (2):

PreventionGenetics, part of Exact Sciences
Classification: Likely benign for GSN-related condition. Last evaluated: 2026-08-19. Review status: criteria provided, single submitter. Criteria: ACMG Guidelines, 2015. Collection method: clinical testing. Allele origin: germline.
Comment: This variant is classified as likely benign based on ACMG/AMP sequence variant interpretation guidelines (Richards et al. 2015 PMID: 25741868, with internal and published modifications).

Labcorp Genetics (formerly Invitae), Labcorp
Classification: Uncertain significance. Last evaluated: 2025-12-03. Review status: criteria provided, single submitter. Criteria: Invitae Variant Classification Sherloc (09022015). Collection method: clinical testing. Allele origin: germline.
Comment: This sequence change replaces arginine, which is basic and polar, with histidine, which is basic and polar, at codon 295 of the GSN protein (p.Arg295His). This variant is present in population databases (rs766602997, gnomAD 0.05%). This variant has not been reported in the literature in individuals affected with GSN-related conditions. ClinVar contains an entry for this variant (Variation ID: 1496096). Invitae Evidence Modeling of protein sequence and biophysical properties (such as structural, functional, and spatial information, amino acid conservation, physicochemical variation, residue mobility, and thermodynamic stability) indicates that this missense variant is not expected to disrupt GSN protein function with a negative predictive value of 80%. In summary, the available evidence is currently insufficient to determine the role of this variant in disease. Therefore, it has been classified as a Variant of Uncertain Significance.

NM_198252.3(GSN):c.731G>A (p.Arg244His)

Gene: GSN (gelsolin; plus strand). Cytogenetic location: 9q33.2.
Variant type: single nucleotide variant.
Coding change: c.731G>A on transcript NM_198252.3 (MANE Select); coding-DNA position 731, G replaced by A.
Protein change: p.Arg244His; replaces arginine 244 with histidine.
Molecular consequence: missense variant.
Genome position (GRCh38, 1-based): chr9:121,314,001, G>A. VCF-style: chr9-121314001-G-A. GRCh37 (hg19) VCF-style: chr9-124076279-G-A.
Other names: c.884G>A, p.Arg295His (NM_000177.5); c.731G>A, p.Arg244His (NM_001127662.2, NM_001127664.2, NM_001127665.2 and 10 more transcripts); c.839G>A, p.Arg280His (NM_001127663.2); c.764G>A, p.Arg255His (NM_001127666.2, NM_001127667.2, NM_001353063.2 and 13 more transcripts); c.782G>A, p.Arg261His (NM_001258029.2); c.755G>A, p.Arg252His (NM_001258030.2); c.77G>A, p.Arg26His (NM_001353078.2); c.803G>A, p.Arg268His (NM_001353076.2); and 1 more; short protein forms R244H, R255H, R261H, R295H, R252H, R268H, R26H, R280H.
Identifiers: ClinVar variation 1496096 (VCV001496096.9), dbSNP rs766602997, ClinGen allele CA5221011.
Genomic context (GRCh38, chr9:121,314,001, plus strand): 5'-GCCCCAAGCCGGCTCTGCCTGCAGGTACCGAGGACACCGCCAAGGAGGATGCGGCCAACC[G>A]CAAGCTGGCCAAGCTCTACAAGGTGAGCACCAGATGCACTGTCTGCCTGGGCATGGGGTC-3'
Protein context (NP_937895.1, residues 234-254): EDTAKEDAAN[Arg244His]KLAKLYKVSN